The following is an entry in ClinVar:

ClinVar aggregate classification (germline): Benign/Likely benign. Review status: criteria provided, multiple submitters, no conflicts (2 of 4 stars). 6 submissions from 6 submitters: Benign (3); Likely benign (3). Last evaluated 2025-12-10.

Conditions:
Hereditary spastic paraplegia 15 (SPG15). Also called: SPASTIC PARAPLEGIA 15, AUTOSOMAL RECESSIVE; KJELLIN SYNDROME; SPASTIC PARAPLEGIA AND RETINAL DEGENERATION. Identifiers: Orphanet 100996, MedGen C1849128, MONDO:0010044, OMIM 270700.
Hereditary spastic paraplegia. Also called: Familial spastic paraparesis. Identifiers: Orphanet 685, MedGen C0037773, MONDO:0019064. Disease mechanism: loss of function.
Spastic paraplegia. Identifiers: MedGen C0037772, HP:0001258.

Allele frequency attached by ClinVar (database versions not stated): gnomAD 0.00003 and 0.00082; ESP Exome Variant Server 0.00008; TOPMed 0.00015; gnomAD exomes 0.00101 and 0.00191; ExAC 0.00219; 1000 Genomes Project 30x 0.00656; 1000 Genomes Project 0.00739.
gnomAD v4.1: 1,623 of 1,614,002 alleles (0.1%); highest among the groups gnomAD compares: South Asian, 1.6%; 24 homozygotes.

Submissions (6):

Labcorp Genetics (formerly Invitae), Labcorp
Classification: Benign for Spastic paraplegia. Last evaluated: 2025-12-10. Review status: criteria provided, single submitter. Criteria: Invitae Variant Classification Sherloc (09022015). Collection method: clinical testing. Allele origin: germline.

Athena Diagnostics
Classification: Benign. Last evaluated: 2025-04-14. Review status: criteria provided, single submitter. Criteria: Athena Diagnostics Criteria. Collection method: clinical testing. Allele origin: unknown.
Comment: The frequency of this variant in the general population is higher than would generally be expected for pathogenic variants in this gene. Computational tools predict this amino acid change may be benign.

Genome-Nilou Lab
Classification: Benign for Hereditary spastic paraplegia 15. Last evaluated: 2021-12-05. Review status: criteria provided, single submitter. Criteria: ACMG Guidelines, 2015. Collection method: clinical testing. Allele origin: germline. Affected: no.

GeneDx
Classification: Likely benign. Last evaluated: 2019-05-06. Review status: criteria provided, single submitter. Criteria: GeneDx Variant Classification Process June 2021. Collection method: clinical testing. Allele origin: germline. Affected: yes.
Comment: See Variant Classification Assertion Criteria.

Genome Diagnostics Laboratory, The Hospital for Sick Children
Classification: Likely benign for Hereditary spastic paraplegia. Last evaluated: 2018-05-01. Review status: criteria provided, single submitter. Criteria: ACMG Guidelines, 2015. Collection method: clinical testing. Allele origin: germline. Affected: yes.

Illumina Laboratory Services, Illumina
Classification: Likely benign for Hereditary spastic paraplegia 15. Last evaluated: 2018-01-12. Review status: criteria provided, single submitter. Criteria: ICSL Variant Classification Criteria 13 December 2019. Collection method: clinical testing. Allele origin: germline.
Comment: This variant was observed in the ICSL laboratory as part of a predisposition screen in an ostensibly healthy population. It had not been previously curated by ICSL or reported in the Human Gene Mutation Database (HGMD: prior to June 1st, 2018), and was therefore a candidate for classification through an automated scoring system. Utilizing variant allele frequency, disease prevalence and penetrance estimates, and inheritance mode, an automated score was calculated to assess if this variant is too frequent to cause the disease. Based on the score and internal cut-off values, a variant classified as likely benign is not then subjected to further curation. The score for this variant resulted in a classification of likely benign for this disease.

NM_015346.4(ZFYVE26):c.2105G>A (p.Arg702His)

Gene: ZFYVE26 (zinc finger FYVE-type containing 26; minus strand). Cytogenetic location: 14q24.1.
Variant type: single nucleotide variant.
Coding change: c.2105G>A on transcript NM_015346.4 (MANE Select); coding-DNA position 2105, G replaced by A.
Protein change: p.Arg702His; replaces arginine 702 with histidine.
Molecular consequence: missense variant.
Genome position (GRCh38, 1-based): chr14:67,798,157, C>T on the plus strand (G>A on the coding strand, the complement: ZFYVE26 is on the minus strand). VCF-style: chr14-67798157-C-T. GRCh37 (hg19) VCF-style: chr14-68264874-C-T.
Other names: short protein forms R702H.
Identifiers: ClinVar variation 313915 (VCV000313915.21), dbSNP rs201339450, ClinGen allele CA7240399.